The following is an entry in ClinVar:

NM_001394062.1(MACF1):c.8370A>G (p.Gly2790=)

Gene: MACF1 (microtubule actin crosslinking factor 1; plus strand). Cytogenetic location: 1p34.3.
Variant type: single nucleotide variant.
Coding change: c.8370A>G on transcript NM_001394062.1 (MANE Select); coding-DNA position 8370, A replaced by G.
Protein change: p.Gly2790=; no amino-acid change (glycine 2790 retained).
Molecular consequence: synonymous variant. On other transcripts: intron variant (1).
Genome position (GRCh38, 1-based): chr1:39,334,958, A>G. VCF-style: chr1-39334958-A-G. GRCh37 (hg19) VCF-style: chr1-39800630-A-G.
Other names: c.4629+7605A>G (NM_012090.5).
Identifiers: ClinVar variation 3771720 (VCV003771720.13).
Genomic context (GRCh38, chr1:39,334,958, plus strand): 5'-GGCTCAGATTGAAAAGCAAGAAGGGATTGAAGTGTGTGCATTACAAAATGAATTTCTAGG[A>G]AAGGATATGTTAATTGCTTGTAATCAGACTGCTGAAATGAGTTGTAATAAAGTAGAAGAG-3'
Protein context (NP_001380991.1, residues 2780-2800): EVCALQNEFL[Gly2790=]KDMLIACNQT

ClinVar aggregate classification (germline): Likely benign (1 of 4 stars; one submission).

Submission:

CeGaT Center for Human Genetics Tuebingen
Classification: Likely benign. Last evaluated: 2024-12-01. Review status: criteria provided, single submitter. Criteria: CeGaT Center For Human Genetics Tuebingen Variant Classification Criteria Version 2. Collection method: clinical testing. Allele origin: germline. Affected: yes. Observed: 1 variant allele.
Comment: MACF1: PM2:Supporting, BP4, BP7